The following is an entry in ClinVar:

ClinVar aggregate classification (germline): Benign (1 of 4 stars; one submission).

Submission:

ISCA site 4
Classification: Benign. Last evaluated: 2011-08-12. Review status: criteria provided, single submitter. Criteria: Kaminsky et al. (Genet Med. 2011). Collection method: clinical testing. Allele origin: unknown. Affected: yes. Observed: 1 variant allele.
Comment: Copy number variation identified through the course of routine clinical cytogenomic testing in postnatal populations. Clinical assertions have been curated as described in Kaminsky et al. 2011.

GRCh38/hg38 12q24.33(chr12:129325762-129943507)x3

Genes: TMEM132D (transmembrane protein 132D; minus strand), LOC126861687 (CDK7 strongly-dependent group 2 enhancer GRCh37_chr12:130091629-130092828; plus strand), LOC126861688 (MED14-independent group 3 enhancer GRCh37_chr12:130337885-130339084; plus strand), LOC132090041 (Neanderthal introgressed variant-containing enhancer experimental_25513; plus strand), LOC132090042 (Neanderthal introgressed variant-containing enhancer experimental_25552; plus strand) and 1 more. Cytogenetic location: 12q24.33.
Variant type: copy number gain.
Change: copy number 3 (three copies instead of two) of chr12:129,325,762-129,943,507 (617.7 kb, GRCh38 coordinates, 1-based), cytogenetic band 12q24.33.
Identifiers: ClinVar variation 161005 (VCV000161005.1).